The following is an entry in ClinVar:

NM_016373.4(WWOX):c.867G>A (p.Ala289=)

Gene: WWOX (WW domain containing oxidoreductase; plus strand). Cytogenetic location: 16q23.1.
Variant type: single nucleotide variant.
Coding change: c.867G>A on transcript NM_016373.4 (MANE Select); coding-DNA position 867, G replaced by A.
Protein change: p.Ala289=; no amino-acid change (alanine 289 retained).
Molecular consequence: synonymous variant.
Genome position (GRCh38, 1-based): chr16:78,432,563, G>A. VCF-style: chr16-78432563-G-A. GRCh37 (hg19) VCF-style: chr16-78466460-G-A.
Other names: c.528G>A, p.Ala176= (NM_001291997.2).
Identifiers: ClinVar variation 510523 (VCV000510523.11), dbSNP rs755002954, ClinGen allele CA8183524.

ClinVar aggregate classification (germline): Likely benign. Review status: criteria provided, multiple submitters, no conflicts (2 of 4 stars). 3 submissions from 3 submitters: Likely benign (3). Last evaluated 2026-01-12.

Conditions:
Developmental and epileptic encephalopathy, 1 (DEE1). Also called: OHTAHARA SYNDROME, X-LINKED; X-linked infantile spasms; West's syndrome; Tonic spasms with clustering, arrest of psychomotor development and hypsarrhythmia on EEG; X-Linked Infantile Spasm Syndrome; Epileptic encephalopathy, early infantile, 1. Identifiers: MedGen C3463992, MONDO:0010632, OMIM 308350. Disease mechanism: loss of function.
Autosomal recessive spinocerebellar ataxia 12. Also called: SPINOCEREBELLAR ATAXIA WITH MENTAL RETARDATION AND EPILEPSY. Identifiers: Orphanet 284282, MedGen C3280452, MONDO:0013687, OMIM 614322.

Allele frequency attached by ClinVar (database versions not stated): ExAC 0.00002; gnomAD exomes 0.00002; gnomAD 0.00005; TOPMed 0.00005.
gnomAD v4.1: 63 of 1,614,042 alleles (0.0039%); highest among the groups gnomAD compares: Admixed American, 0.0083%; no homozygotes.

Submissions (3):

Labcorp Genetics (formerly Invitae), Labcorp
Classification: Likely benign for Developmental and epileptic encephalopathy, 1; Autosomal recessive spinocerebellar ataxia 12. Last evaluated: 2026-01-12. Review status: criteria provided, single submitter. Criteria: Invitae Variant Classification Sherloc (09022015). Collection method: clinical testing. Allele origin: germline.

Blueprint Genetics
Classification: Likely benign. Last evaluated: 2022-10-27. Review status: criteria provided, single submitter. Criteria: ACMG Guidelines, 2015. Collection method: clinical testing. Allele origin: germline.

GeneDx
Classification: Likely benign. Last evaluated: 2017-06-23. Review status: criteria provided, single submitter. Criteria: GeneDx Variant Classification (06012015). Collection method: clinical testing. Allele origin: germline. Affected: yes.
Comment: This variant is considered likely benign or benign based on one or more of the following criteria: it is a conservative change, it occurs at a poorly conserved position in the protein, it is predicted to be benign by multiple in silico algorithms, and/or has population frequency not consistent with disease.